The following is an entry in ClinVar:

ClinVar aggregate classification (germline): Uncertain significance (1 of 4 stars; one submission).

Conditions:
Familial thoracic aortic aneurysm and aortic dissection (TAAD). Also called: Thoracic aortic aneurysms and dissections. Identifiers: Orphanet 91387, MedGen C4707243, MONDO:0019625.

Submission:

Color Diagnostics, LLC DBA Color Health
Classification: Uncertain significance for Familial thoracic aortic aneurysm and aortic dissection. Last evaluated: 2025-07-08. Review status: criteria provided, single submitter. Criteria: ACMG Guidelines, 2015. Collection method: clinical testing. Allele origin: germline.
Comment: This missense variant replaces glutamic acid with alanine at codon 1612 of the FBN1 protein. Computational prediction suggests that this variant may have deleterious impact on protein structure and function. To our knowledge, functional studies have not been reported for this variant. This variant has not been reported in individuals affected with FBN1-related disorders in the literature. This variant has not been identified in the general population by the Genome Aggregation Database (gnomAD). The available evidence is insufficient to determine the role of this variant in disease conclusively. Therefore, this variant is classified as a Variant of Uncertain Significance.

NM_000138.5(FBN1):c.4835A>C (p.Glu1612Ala)

Gene: FBN1 (fibrillin 1; minus strand). Cytogenetic location: 15q21.1.
Variant type: single nucleotide variant.
Coding change: c.4835A>C on transcript NM_000138.5 (MANE Select); coding-DNA position 4835, A replaced by C.
Protein change: p.Glu1612Ala; replaces glutamic acid 1612 with alanine.
Molecular consequence: missense variant.
Genome position (GRCh38, 1-based): chr15:48,465,675, T>G on the plus strand (A>C on the coding strand, the complement: FBN1 is on the minus strand). VCF-style: chr15-48465675-T-G. GRCh37 (hg19) VCF-style: chr15-48757872-T-G.
Other names: c.4835A>C, p.Glu1612Ala (NM_001406716.1); short protein forms E1612A.
Identifiers: ClinVar variation 4758887 (VCV004758887.1).